The following is an entry in ClinVar:

ClinVar aggregate classification (germline): Pathogenic (1 of 4 stars; one submission).

Submission:

Labcorp Genetics (formerly Invitae), Labcorp
Classification: Pathogenic. Last evaluated: 2025-04-07. Review status: criteria provided, single submitter. Criteria: Invitae Variant Classification Sherloc (09022015). Collection method: clinical testing. Allele origin: germline.
Comment: This sequence change creates a premature translational stop signal (p.Tyr250*) in the C1S gene. It is expected to result in an absent or disrupted protein product. Loss-of-function variants in C1S are known to be pathogenic (PMID: 18062908). This variant is not present in population databases (gnomAD no frequency). This premature translational stop signal has been observed in individual(s) with C1S-related conditions (PMID: 38469558). Algorithms developed to predict the effect of sequence changes on RNA splicing suggest that this variant may disrupt the consensus splice site. For these reasons, this variant has been classified as Pathogenic.

Literature cited by the submitters: PubMed 18062908; PubMed 38469558.

NM_001734.5(C1S):c.750C>A (p.Tyr250Ter)

Gene: C1S (complement C1s; plus strand). Cytogenetic location: 12p13.31.
Variant type: single nucleotide variant.
Coding change: c.750C>A on transcript NM_001734.5 (MANE Select); coding-DNA position 750, C replaced by A.
Protein change: p.Tyr250Ter; replaces tyrosine 250 with a stop codon.
Molecular consequence: nonsense.
Genome position (GRCh38, 1-based): chr12:7,065,849, C>A. VCF-style: chr12-7065849-C-A. GRCh37 (hg19) VCF-style: chr12-7173153-C-A.
Other names: c.249C>A, p.Tyr83Ter (NM_001346850.2); c.750C>A, p.Tyr250Ter (NM_201442.4); short protein forms Y83*, Y250*.
Identifiers: ClinVar variation 4716805 (VCV004716805.1).